The following is an entry in ClinVar:

ClinVar aggregate classification (germline): Uncertain significance (1 of 4 stars; one submission).

Submission:

GeneDx
Classification: Uncertain significance. Last evaluated: 2026-04-12. Review status: criteria provided, single submitter. Criteria: GeneDx Variant Classification Process June 2021. Collection method: clinical testing. Allele origin: germline.
Comment: Not observed at significant frequency in large population cohorts (gnomAD); In silico analysis supports that this missense variant has a deleterious effect on protein structure/function; Has not been previously published as pathogenic or benign to our knowledge

NM_080552.3(SLC32A1):c.379A>G (p.Asn127Asp)

Gene: SLC32A1 (solute carrier family 32 member 1; plus strand). Cytogenetic location: 20q11.23.
Variant type: single nucleotide variant.
Coding change: c.379A>G on transcript NM_080552.3 (MANE Select); coding-DNA position 379, A replaced by G.
Protein change: p.Asn127Asp; replaces asparagine 127 with aspartic acid.
Molecular consequence: missense variant.
Genome position (GRCh38, 1-based): chr20:38,725,103, A>G. VCF-style: chr20-38725103-A-G. GRCh37 (hg19) VCF-style: chr20-37353746-A-G.
Other names: short protein forms N127D.
Identifiers: ClinVar variation 5037090 (VCV005037090.1).